The following is an entry in ClinVar:

ClinVar aggregate classification (germline): Uncertain significance. Review status: criteria provided, multiple submitters, no conflicts (2 of 4 stars). 3 submissions from 3 submitters: Uncertain significance (3). Last evaluated 2025-05-12.

Conditions:
Hereditary cancer-predisposing syndrome. Also called: Hereditary neoplastic syndrome; Neoplastic Syndromes, Hereditary; Tumor predisposition; Hereditary Cancer Syndrome. Identifiers: Orphanet 140162, MedGen C0027672, MeSH D009386, MONDO:0015356.
Neuroblastoma, susceptibility to, 3. Also called: ALK-Related Neuroblastic Tumor Susceptibility. Identifiers: Orphanet 635, MedGen C2751681, MONDO:0013083, OMIM 613014.

gnomAD v4.1: 1 of 1,614,066 alleles (0.000062%); highest among the groups gnomAD compares: Non-Finnish European, 0.000085%; no homozygotes.

Submissions (3):

GeneDx
Classification: Uncertain significance. Last evaluated: 2025-05-12. Review status: criteria provided, single submitter. Criteria: GeneDx Variant Classification Process June 2021. Collection method: clinical testing. Allele origin: germline. Affected: yes.
Comment: Not observed at significant frequency in large population cohorts (gnomAD); In silico analysis supports that this missense variant has a deleterious effect on protein structure/function; Has not been previously published as pathogenic or benign to our knowledge

Ambry Genetics
Classification: Uncertain significance for Hereditary cancer-predisposing syndrome. Last evaluated: 2023-09-14. Review status: criteria provided, single submitter. Criteria: Ambry Variant Classification Scheme 2023. Collection method: clinical testing. Allele origin: germline.
Comment: The p.I1250M variant (also known as c.3750T>G), located in coding exon 25 of the ALK gene, results from a T to G substitution at nucleotide position 3750. The isoleucine at codon 1250 is replaced by methionine, an amino acid with highly similar properties. This amino acid position is highly conserved in available vertebrate species. In addition, this alteration is predicted to be deleterious by in silico analysis. Since supporting evidence is limited at this time, the clinical significance of this alteration remains unclear.

Labcorp Genetics (formerly Invitae), Labcorp
Classification: Uncertain significance for Neuroblastoma, susceptibility to, 3. Last evaluated: 2023-08-10. Review status: criteria provided, single submitter. Criteria: Invitae Variant Classification Sherloc (09022015). Collection method: clinical testing. Allele origin: germline.
Comment: In summary, the available evidence is currently insufficient to determine the role of this variant in disease. Therefore, it has been classified as a Variant of Uncertain Significance. An algorithm developed to predict the effect of missense changes on protein structure and function (PolyPhen-2) suggests that this variant is likely to be disruptive. ClinVar contains an entry for this variant (Variation ID: 470842). This variant has not been reported in the literature in individuals affected with ALK-related conditions. This variant is not present in population databases (gnomAD no frequency). This sequence change replaces isoleucine, which is neutral and non-polar, with methionine, which is neutral and non-polar, at codon 1250 of the ALK protein (p.Ile1250Met).

NM_004304.5(ALK):c.3750T>G (p.Ile1250Met)

Gene: ALK (ALK receptor tyrosine kinase; minus strand). Cytogenetic location: 2p23.2.
Variant type: single nucleotide variant.
Coding change: c.3750T>G on transcript NM_004304.5 (MANE Select); coding-DNA position 3750, T replaced by G.
Protein change: p.Ile1250Met; replaces isoleucine 1250 with methionine.
Molecular consequence: missense variant.
Genome position (GRCh38, 1-based): chr2:29,209,872, A>C on the plus strand (T>G on the coding strand, the complement: ALK is on the minus strand). VCF-style: chr2-29209872-A-C. GRCh37 (hg19) VCF-style: chr2-29432738-A-C.
Other names: c.546T>G, p.Ile182Met (NM_001353765.2); short protein forms I1250M, I182M.
Identifiers: ClinVar variation 470842 (VCV000470842.16), dbSNP rs760315884, ClinGen allele CA346469857.
Genomic context (GRCh38, chr2:29,209,872, plus strand): 5'-GTCTCCAATCTTGGCCACTCTTCCAGGGCCTGGACAGGTCAAGAGGCAGTTTCTGGCAGC[A>C]ATGTCTCTGGGAAGAAAGGAAATGCATTTCCTAATTTTATCCCTAGGAAGATGAGTGTAC-3'
Protein context (NP_004295.2, residues 1240-1260): LEENHFIHRD[Ile1250Met]AARNCLLTCP